The following is an entry in ClinVar:

NM_001100913.3(PACS2):c.1072C>T (p.Arg358Trp)

Gene: PACS2 (phosphofurin acidic cluster sorting protein 2; plus strand). Cytogenetic location: 14q32.33.
Variant type: single nucleotide variant.
Coding change: c.1072C>T on transcript NM_001100913.3 (MANE Select); coding-DNA position 1072, C replaced by T.
Protein change: p.Arg358Trp; replaces arginine 358 with tryptophan.
Molecular consequence: missense variant.
Genome position (GRCh38, 1-based): chr14:105,380,101, C>T. VCF-style: chr14-105380101-C-T. GRCh37 (hg19) VCF-style: chr14-105846438-C-T.
Other names: c.847C>T, p.Arg283Trp (NM_001243127.3); c.1072C>T, p.Arg358Trp (NM_015197.4); short protein forms R283W, R358W.
Identifiers: ClinVar variation 977391 (VCV000977391.10), dbSNP rs1488845742, ClinGen allele CA391180616.

ClinVar aggregate classification (germline): Conflicting classifications of pathogenicity. Review status: criteria provided, conflicting classifications (1 of 4 stars). 3 submissions from 3 submitters: Uncertain significance (2); Benign (1). Last evaluated 2025-12-08.

Conditions:
Inborn genetic diseases. Identifiers: MedGen C0950123, MeSH D030342.
Developmental and epileptic encephalopathy, 66. Also called: EPILEPTIC ENCEPHALOPATHY, EARLY INFANTILE, 66. Identifiers: MedGen C4748070, MONDO:0054845, OMIM 618067.

Allele frequency attached by ClinVar (database versions not stated): gnomAD exomes 0.00001; gnomAD 0.00004 and 0.00006; TOPMed 0.00005.
gnomAD v4.1: 23 of 1,553,170 alleles (0.0015%); highest among the groups gnomAD compares: Admixed American, 0.0098%; 1 homozygote.

Submissions (3):

Ambry Genetics
Classification: Uncertain significance for Inborn genetic diseases. Last evaluated: 2025-12-08. Review status: criteria provided, single submitter. Criteria: Ambry Variant Classification Scheme 2023. Collection method: clinical testing. Allele origin: germline.

Labcorp Genetics (formerly Invitae), Labcorp
Classification: Benign. Last evaluated: 2025-11-25. Review status: criteria provided, single submitter. Criteria: Invitae Variant Classification Sherloc (09022015). Collection method: clinical testing. Allele origin: germline.

New York Genome Center
Classification: Uncertain significance for Developmental and epileptic encephalopathy, 66. Last evaluated: 2019-11-12. Review status: criteria provided, single submitter. Criteria: NYGC Assertion Criteria 2020. Collection method: clinical testing. Allele origin: inherited. Observed: 1 heterozygote. Study: CSER-NYCKidSeq. Segregation with disease observed.
Comment: The p.Arg358Trp variant has not been reported in the available literature to the best of our knowledge. The p.Arg358Trpvariant has 0.000005 allele frequency in the gnomAD database (1out of 190,354 heterozygous alleles) indicating it is an extremely rare allele in the general population. In silico prediction tools provide conflicting interpretations about the potential pathogenicity of this variant. Based on the available evidence, the p.Arg358Trp missense variant in the PACS2 gene is assessed as a variant of uncertain significance.